The following is an entry in ClinVar:

NM_001204.7(BMPR2):c.1904C>T (p.Pro635Leu)

Gene: BMPR2 (bone morphogenetic protein receptor type 2; plus strand). Cytogenetic location: 2q33.2.
Variant type: single nucleotide variant.
Coding change: c.1904C>T on transcript NM_001204.7 (MANE Select); coding-DNA position 1904, C replaced by T.
Protein change: p.Pro635Leu; replaces proline 635 with leucine.
Molecular consequence: missense variant.
Genome position (GRCh38, 1-based): chr2:202,555,569, C>T. VCF-style: chr2-202555569-C-T. GRCh37 (hg19) VCF-style: chr2-203420292-C-T.
Other names: short protein forms P635L.
Identifiers: ClinVar variation 3824838 (VCV003824838.1).

ClinVar aggregate classification (germline): Uncertain significance (1 of 4 stars; one submission).

Conditions:
Inborn genetic diseases. Identifiers: MedGen C0950123, MeSH D030342.

gnomAD v4.1: 2 of 1,614,088 alleles (0.00012%); highest among the groups gnomAD compares: South Asian, 0.0011%; no homozygotes.

Submission:

Ambry Genetics
Classification: Uncertain significance for Inborn genetic diseases. Last evaluated: 2025-01-13. Review status: criteria provided, single submitter. Criteria: Ambry Variant Classification Scheme 2023. Collection method: clinical testing. Allele origin: germline.
Comment: The p.P635L variant (also known as c.1904C>T), located in coding exon 12 of the BMPR2 gene, results from a C to T substitution at nucleotide position 1904. The proline at codon 635 is replaced by leucine, an amino acid with similar properties. This amino acid position is conserved. In addition, this alteration is predicted to be tolerated by in silico analysis. Based on the available evidence, the clinical significance of this variant remains unclear.